The following is an entry in ClinVar:

NM_004656.4(BAP1):c.38-12C>T

Gene: BAP1 (BRCA1 associated deubiquitinase 1; minus strand). Cytogenetic location: 3p21.1.
Variant type: single nucleotide variant.
Coding change: c.38-12C>T on transcript NM_004656.4 (MANE Select); 12 bases into the intron before coding-DNA position 38, C replaced by T.
Molecular consequence: intron variant.
Genome position (GRCh38, 1-based): chr3:52,409,755, G>A on the plus strand (C>T on the coding strand, the complement: BAP1 is on the minus strand). VCF-style: chr3-52409755-G-A. GRCh37 (hg19) VCF-style: chr3-52443771-G-A.
Identifiers: ClinVar variation 628707 (VCV000628707.8), dbSNP rs1240118550, ClinGen allele CA542900730.

ClinVar aggregate classification (germline): Likely benign. Review status: criteria provided, multiple submitters, no conflicts (2 of 4 stars). 3 submissions from 3 submitters: Likely benign (3). Last evaluated 2024-11-18.

Conditions:
Hereditary cancer-predisposing syndrome. Also called: Neoplastic Syndromes, Hereditary; Tumor predisposition; Hereditary neoplastic syndrome; Hereditary Cancer Syndrome. Identifiers: Orphanet 140162, MedGen C0027672, MeSH D009386, MONDO:0015356.
BAP1-related tumor predisposition syndrome (TPDS1). Also called: Tumor susceptibility linked to germline BAP1 mutations; BAP1 tumor predisposition syndrome; TUMOR PREDISPOSITION SYNDROME 1; COMMON Syndrome. Identifiers: Orphanet 289539, MedGen C3280492, MONDO:0013692, OMIM 614327.

Allele frequency attached by ClinVar (database versions not stated): gnomAD exomes below 0.00001.
gnomAD v4.1: 2 of 1,613,816 alleles (0.00012%); highest among the groups gnomAD compares: Non-Finnish European, 0.000085%; no homozygotes.

Submissions (3):

Labcorp Genetics (formerly Invitae), Labcorp
Classification: Likely benign for BAP1-related tumor predisposition syndrome. Last evaluated: 2024-11-18. Review status: criteria provided, single submitter. Criteria: Invitae Variant Classification Sherloc (09022015). Collection method: clinical testing. Allele origin: germline.

Myriad Genetics, Inc.
Classification: Likely benign for BAP1-related tumor predisposition syndrome. Last evaluated: 2024-07-11. Review status: criteria provided, single submitter. Criteria: Myriad Autosomal Dominant, Autosomal Recessive and X-Linked Classification Criteria (2023). Collection method: clinical testing. Allele origin: unknown.
Comment: This variant is considered likely benign. This variant is intronic and is not expected to impact mRNA splicing.

Color Diagnostics, LLC DBA Color Health
Classification: Likely benign for Hereditary cancer-predisposing syndrome. Last evaluated: 2018-06-20. Review status: criteria provided, single submitter. Criteria: ACMG Guidelines, 2015. Collection method: clinical testing. Allele origin: germline.